The following continues an entry in ClinVar:

NM_003060.4(SLC22A5):c.364G>T (p.Asp122Tyr)

Gene: SLC22A5. ClinVar aggregate classification (germline): Conflicting classifications of pathogenicity. Pathogenic (9); Likely pathogenic (9); Uncertain significance (3).

Submissions 15 to 22 of 22:

Genome-Nilou Lab
Classification: Likely pathogenic for Renal carnitine transport defect. Last evaluated: 2021-07-15. Review status: criteria provided, single submitter. Criteria: ACMG Guidelines, 2015. Collection method: clinical testing. Allele origin: germline. Affected: no.

Kariminejad - Najmabadi Pathology & Genetics Center
Classification: Likely pathogenic for Abnormality of the nervous system. Last evaluated: 2021-07-10. Review status: criteria provided, single submitter. Criteria: ACMG Guidelines, 2015. Collection method: clinical testing. Allele origin: germline. Affected: yes.

Institute of Medical Genetics and Applied Genomics, University Hospital Tübingen
Classification: Pathogenic. Last evaluated: 2020-10-23. Review status: criteria provided, single submitter. Criteria: ACMG Guidelines, 2015. Collection method: clinical testing. Allele origin: germline. Inheritance: Autosomal recessive inheritance. Affected: yes.

ARUP Laboratories, Molecular Genetics and Genomics, ARUP Laboratories
Classification: Likely pathogenic for Renal carnitine transport defect. Last evaluated: 2020-04-10. Review status: criteria provided, single submitter. Criteria: ARUP Molecular Germline Variant Investigation Process. Collection method: clinical testing. Allele origin: germline.
Comment: The SLC22A5 c.364G>T; p.Asp122Tyr variant (rs201082652) has been reported in an individual with myopathy, but its clinical significance was not determined (Li 2010). Functional characterization in HEK293 cells indicate that the variant protein shows reduced carnitine transport activity (<10 percent of wildtype) and absence of the protein at the plasma membrane, likely due to the accumulation of the variant protein in the endoplasmic reticulum and Golgi (Toh 2011). The p.Asp122Tyr variant is reported in ClinVar (Variation ID: 25371), and found in the general population with an overall allele frequency of 0.039% (106/271794 alleles) in the Genome Aggregation Database. The aspartic acid at residue 122 is moderately conserved, and computational analyses (SIFT, PolyPhen-2) predict that this variant is deleterious. Based on available information, this variant is considered to be likely pathogenic. References: ARUP PCD database: Li F et al. Molecular spectrum of SLC22A5 (OCTN2) gene mutations detected in 143 subjects evaluated for systemic carnitine deficiency. Hum Mutat. 2010; 31(8):E1632-51. Toh D et al. Functional analysis of pharmacogenetic variants of human organic cation/carnitine transporter 2 (hOCTN2) identified in Singaporean populations. Biochem Pharmacol. 2011; 82(11):1692-9.

Institute for Genomic Medicine (IGM) Clinical Laboratory, Nationwide Children's Hospital
Classification: Likely pathogenic for Renal carnitine transport defect. Last evaluated: 2018-10-09. Review status: criteria provided, single submitter. Criteria: ACMG Guidelines, 2015. Collection method: clinical testing. Allele origin: germline. Affected: yes.
Comment: [ACMG/AMP: PS3, PM2, PM3, PP3] This alteration is supported by well-established in vitro or in vivo functional studies to have a damaging effect on protein function or splicing [PS3], is absent from or rarely observed in large-scale population databases [PM2], is detected in trans with a known pathogenic variant [PM3], is predicted to be damaging by multiple functional prediction tools [PP3].

Eurofins Ntd Llc (ga)
Classification: Pathogenic. Last evaluated: 2017-04-25. Review status: criteria provided, single submitter. Criteria: EGL Classification Definitions 2015. Collection method: clinical testing. Allele origin: germline. Observed: 3 variant alleles, 3 heterozygotes.

Laboratory for Molecular Medicine, Mass General Brigham Personalized Medicine
Classification: Uncertain significance. Last evaluated: 2016-11-05. Review status: criteria provided, single submitter. Criteria: LMM Criteria. Collection method: clinical testing. Allele origin: germline. Observed: 4 variant alleles.
Comment: Variant classified as Uncertain Significance - Favor Pathogenic. However, a second variant in SLC22A5 was not detected in e ither individual. The p.Asp122Tyr variant has also been identified in 0.1% (10/1 3986) of South Asian chromosomes by the Exome Aggregation Consortium (ExAC; dbSNP rs201082652); however this frequency is not hi gh enough to rule out a pathogenic role. Functional studies in cellular models ( Toh 2011), as well as computational prediction and conservation tools, provide s ome evidence that the variant may impact protein function. However, these types of functional data are not sufficient to determine pathogenicity. In summary, wh ile there is some suspicion for a pathogenic role, the clinical significance of the p.Asp122Tyr variant is uncertain due to the absence of a second pathogenic v ariant in SLC22A5 in affected individuals and limited functional data.

Counsyl
Classification: Uncertain significance for Renal carnitine transport defect. Last evaluated: 2018-12-15. Review status: no assertion criteria provided. Collection method: clinical testing. Allele origin: unknown. Not counted in ClinVar's aggregate classification.

Literature cited by the submitters: PubMed 20574985 (cited by 5 submitters); PubMed 21864509 (cited by 8 submitters); PubMed 32371413 (cited by 3 submitters); PubMed 38374194 (cited by Natera, Inc.); PubMed 36343260 (cited by 3 submitters); PubMed 20208395 (cited by 5 submitters); PubMed 28074886 (cited by Mayo Clinic Laboratories, Mayo Clinic and Counsyl); PubMed 30626930 (cited by Mayo Clinic Laboratories, Mayo Clinic and Women's Health and Genetics/Laboratory Corporation of America, LabCorp); PubMed 32778825 (cited by Mayo Clinic Laboratories, Mayo Clinic and Women's Health and Genetics/Laboratory Corporation of America, LabCorp); PubMed 35281663 (cited by Mayo Clinic Laboratories, Mayo Clinic and Women's Health and Genetics/Laboratory Corporation of America, LabCorp); PubMed 36109795 (cited by Mayo Clinic Laboratories, Mayo Clinic and Women's Health and Genetics/Laboratory Corporation of America, LabCorp); PubMed 31980526 (cited by Women's Health and Genetics/Laboratory Corporation of America, LabCorp); PubMed 34802252 (cited by Women's Health and Genetics/Laboratory Corporation of America, LabCorp); PubMed 37510298 (cited by Women's Health and Genetics/Laboratory Corporation of America, LabCorp).